The following is an entry in ClinVar:

ClinVar aggregate classification (germline): Conflicting classifications of pathogenicity. Review status: criteria provided, conflicting classifications (1 of 4 stars). 3 submissions from 3 submitters: Likely pathogenic (1); Uncertain significance (2). Last evaluated 2025-02-07.

Conditions:
Hermansky-Pudlak syndrome 5 (HPS5). Identifiers: Orphanet 231512, Orphanet 79430, MedGen C3888004, MONDO:0013557, OMIM 614074.

Allele frequency attached by ClinVar (database versions not stated): ExAC 0.00001.
gnomAD v4.1: 13 of 1,613,872 alleles (0.00081%); highest among the groups gnomAD compares: Admixed American, 0.0067%; no homozygotes.

Submissions (3):

Women's Health and Genetics/Laboratory Corporation of America, LabCorp
Classification: Uncertain significance. Last evaluated: 2025-02-07. Review status: criteria provided, single submitter. Criteria: LabCorp Variant Classification Summary - May 2015. Collection method: clinical testing. Allele origin: germline.
Comment: Variant summary: HPS5 c.719G>A (p.Arg240His) results in a non-conservative amino acid change located in the HPS5-like, beta-propeller domain (IPR056499) of the encoded protein sequence. Five of five in-silico tools predict a damaging effect of the variant on protein function. The variant allele was found at a frequency of 1.6e-05 in 251474 control chromosomes (gnomAD). The available data on variant occurrences in the general population are insufficient to allow any conclusion about variant significance. To our knowledge, no occurrence of c.719G>A in individuals affected with Hermansky-Pudlak Syndrome and no experimental evidence demonstrating its impact on protein function have been reported. ClinVar contains an entry for this variant (Variation ID: 1494154). Based on the evidence outlined above, the variant was classified as uncertain significance.

Labcorp Genetics (formerly Invitae), Labcorp
Classification: Uncertain significance. Last evaluated: 2022-06-20. Review status: criteria provided, single submitter. Criteria: Invitae Variant Classification Sherloc (09022015). Collection method: clinical testing. Allele origin: germline.
Comment: This sequence change replaces arginine, which is basic and polar, with histidine, which is basic and polar, at codon 240 of the HPS5 protein (p.Arg240His). This variant is present in population databases (rs764296457, gnomAD 0.01%). This variant has not been reported in the literature in individuals affected with HPS5-related conditions. Algorithms developed to predict the effect of missense changes on protein structure and function are either unavailable or do not agree on the potential impact of this missense change (SIFT: "Deleterious"; PolyPhen-2: "Probably Damaging"; Align-GVGD: "Class C0"). In summary, the available evidence is currently insufficient to determine the role of this variant in disease. Therefore, it has been classified as a Variant of Uncertain Significance.

Kariminejad - Najmabadi Pathology & Genetics Center
Classification: Likely pathogenic for Hermansky-Pudlak syndrome 5. Review status: criteria provided, single submitter. Criteria: ACMG Guidelines, 2015. Collection method: clinical testing. Allele origin: germline. Affected: no.

NM_181507.2(HPS5):c.719G>A (p.Arg240His)

Gene: HPS5 (HPS5 biogenesis of lysosomal organelles complex 2 subunit 2; minus strand). Cytogenetic location: 11p15.1.
Variant type: single nucleotide variant.
Coding change: c.719G>A on transcript NM_181507.2 (MANE Select); coding-DNA position 719, G replaced by A.
Protein change: p.Arg240His; replaces arginine 240 with histidine.
Molecular consequence: missense variant.
Genome position (GRCh38, 1-based): chr11:18,306,240, C>T on the plus strand (G>A on the coding strand, the complement: HPS5 is on the minus strand). VCF-style: chr11-18306240-C-T. GRCh37 (hg19) VCF-style: chr11-18327787-C-T.
Other names: c.377G>A, p.Arg126His (NM_007216.4, NM_181508.2); short protein forms R240H, R126H.
Identifiers: ClinVar variation 1494154 (VCV001494154.5), dbSNP rs764296457, ClinGen allele CA5910360.
Genomic context (GRCh38, chr11:18,306,240, plus strand): 5'-AACTGATGTGTACTTATAACTTCTCCATCAAAGTTCACTTCCCACATCCTAGAGCCTGGG[C>T]GAGCACAATATATCAGAGGTTGCTGGCCCCCAGAACATCTTCCAGGAAAGAAACAAGCTC-3'
Protein context (NP_852608.1, residues 230-250): GGQQPLIYCA[Arg240His]PGSRMWEVNF